The following is an entry in ClinVar:

NM_007294.4(BRCA1):c.4357+1del

Gene: BRCA1 (BRCA1 DNA repair associated; minus strand). Cytogenetic location: 17q21.31.
Variant type: Deletion.
Coding change: c.4357+1del on transcript NM_007294.4 (MANE Select); the canonical splice donor site of the intron after coding-DNA position 4357, one base deleted (G; older notation c.4357+1delG).
Molecular consequence: splice donor variant.
Genome position (GRCh38, 1-based): chr17:43,082,403, C deleted on the plus strand (G on the coding strand, the reverse complement: BRCA1 is on the minus strand); the first of 2 consecutive C bases (chr17:43,082,403-43,082,404); deleting either gives the same sequence. VCF-style (leftmost placement, unchanged base first): chr17-43082402-AC-A. GRCh37 (hg19) VCF-style: chr17-41234419-AC-A.
Other names: c.1753+1del (NM_001407968.1); c.4354+1del (NM_001407640.1, NM_001407626.1, NM_001407613.1 and 21 more transcripts); c.4357+1del (NM_001407617.1, NM_001407652.1, NM_001407854.1 and 23 more transcripts); c.835+1del (NM_001408492.1, NM_001408513.1, NM_001408491.1 and 3 more transcripts); c.904+1del (NM_001408468.1, NM_001408466.1, NM_001408469.1 and 5 more transcripts); c.4213+1del (NM_001407842.1, NM_001407749.1, NM_001407846.1 and 23 more transcripts); c.784+1del (NM_001408501.1, NM_001408500.1, NM_001408498.1 and 3 more transcripts); c.907+1del (NM_001408455.1, NM_001408452.1, NM_001408458.1 and 8 more transcripts); and 52 more.
Identifiers: ClinVar variation 55179 (VCV000055179.19), dbSNP rs397509165, ClinGen allele CA002786.
Genomic context (GRCh38, chr17:43,082,402, plus strand): 5'-GGAGATAAAGGGGAAGGAAAGAATTTTGCTTAAGATATCAGTGTTTGGCCAACAATACAC[AC>A]CTTTTTCTGATGTGCTTTGTTCTGGATTTCGCAGGTCCTCAAGGGCAGAAGAGTCACTTA-3'

ClinVar aggregate classification (germline): Pathogenic/Likely pathogenic. Review status: criteria provided, multiple submitters, no conflicts (2 of 4 stars). 6 submissions from 6 submitters: Pathogenic (5); Likely pathogenic (1). Last evaluated 2025-05-12.

Conditions:
Hereditary cancer-predisposing syndrome. Also called: Hereditary Cancer Syndrome; Hereditary neoplastic syndrome; Neoplastic Syndromes, Hereditary; Tumor predisposition. Identifiers: Orphanet 140162, MedGen C0027672, MeSH D009386, MONDO:0015356.
Hereditary breast ovarian cancer syndrome. Also called: BRCA1- and BRCA2-Associated Hereditary Breast and Ovarian Cancer; Hereditary breast and ovarian cancer syndrome; Hereditary breast and ovarian cancer syndrome (HBOC); Breast and ovarian cancer; Hereditary breast and/or ovarian cancer syndrome; Hereditary breast and ovarian cancer. Identifiers: Orphanet 145, MedGen C0677776, MeSH D061325, MONDO:0003582. Disease mechanism: loss of function.
Breast-ovarian cancer, familial, susceptibility to, 1 (BROVCA1). Also called: BRCA1 Hereditary Breast and Ovarian Cancer; OVARIAN CANCER, SUSCEPTIBILITY TO. Identifiers: Orphanet 145, MedGen C2676676, MONDO:0011450, OMIM 604370. Disease mechanism: loss of function.

Submissions (6):

Women's Health and Genetics/Laboratory Corporation of America, LabCorp
Classification: Pathogenic for Hereditary breast ovarian cancer syndrome. Last evaluated: 2025-05-12. Review status: criteria provided, single submitter. Criteria: LabCorp Variant Classification Summary - May 2015. Collection method: clinical testing. Allele origin: germline.
Comment: Variant summary: BRCA1 c.4357+1delG is located in a canonical splice-site and is predicted to affect mRNA splicing resulting in a significantly altered protein due to either exon skipping, shortening, or inclusion of intronic material. Variants that disrupt the consensus splice site are a relatively common cause of aberrant splicing and loss of BRCA1 function. Several computational tools predict a significant impact on normal splicing: Four predict the variant abolishes a canonical 5' splicing donor site. Four predict the variant creates a cryptic 5' donor site. However, these predictions have yet to be confirmed by functional studies. The variant was absent in 251154 control chromosomes. c.4357+1delG has been observed in individual(s) affected with Hereditary Breast And Ovarian Cancer Syndrome (example: Rebbeck_2018, Fong_2010, Cardenosa_2010). These data indicate that the variant is likely to be associated with disease. The following publications have been ascertained in the context of this evaluation (PMID: 29446198, 20406929, 20033483). ClinVar contains an entry for this variant (Variation ID: 55179). Based on the evidence outlined above, the variant was classified as pathogenic.

Labcorp Genetics (formerly Invitae), Labcorp
Classification: Pathogenic for Hereditary breast ovarian cancer syndrome. Last evaluated: 2025-05-05. Review status: criteria provided, single submitter. Criteria: Invitae Variant Classification Sherloc (09022015). Collection method: clinical testing. Allele origin: germline.
Comment: This sequence change affects a splice site in intron 12 of the BRCA1 gene. It is expected to disrupt RNA splicing. Variants that disrupt the donor or acceptor splice site typically lead to a loss of protein function (PMID: 16199547), and loss-of-function variants in BRCA1 are known to be pathogenic (PMID: 20104584). This variant is not present in population databases (gnomAD no frequency). Disruption of this splice site has been observed in individual(s) with breast cancer (PMID: 17257844, 23479189, 28477318). This variant is also known as IVS13+1delG. ClinVar contains an entry for this variant (Variation ID: 55179). Studies have shown that disruption of this splice site alters mRNA splicing and is expected to lead to the loss of protein expression (PMID: 21735045, 21769658, 24667779). For these reasons, this variant has been classified as Pathogenic.

Color Diagnostics, LLC DBA Color Health
Classification: Pathogenic for Hereditary cancer-predisposing syndrome. Last evaluated: 2023-11-20. Review status: criteria provided, single submitter. Criteria: ACMG Guidelines, 2015. Collection method: clinical testing. Allele origin: germline.
Comment: This variant deletes a G nucleotide in the boundary of exon 12 and intron 12 in the BRCA1 gene. This variant is also known as IVS13-1delG and c.4357delG in the literature. Splice site prediction tools suggest that this variant may have a significant impact on RNA splicing. A study on carrier-derived RNA has reported evidence for out-of-frame splicing (PMID: 21735045). This variant has been detected in at least five individuals affected with breast cancer or ovarian cancer, including three high-risk breast cancer cases (PMID: 17257844, 23479189, 28477318, 33801055, 36149077). This variant has not been identified in the general population by the Genome Aggregation Database (gnomAD). Loss of BRCA1 function is a known mechanism of disease. Based on the available evidence, this variant is classified as Pathogenic.

Ambry Genetics
Classification: Pathogenic for Hereditary cancer-predisposing syndrome. Last evaluated: 2023-02-14. Review status: criteria provided, single submitter. Criteria: Ambry Variant Classification Scheme 2023. Collection method: clinical testing. Allele origin: germline.
Comment: The c.4357+1delG intronic pathogenic mutation, located in intron 11 of the BRCA1 gene, results from a deletion of the first nucleotide within intron 11 of the BRCA1 gene. Also designated as IVS13+1delG, this alteration was identified in multiple hereditary breast/ovarian cohorts and was demonstrated by RT-PCR analysis to result in abnormal splicing (Ambry internal data; Men&eacute;ndez M et al. Breast Cancer Res. Treat., 2012; Pellegrino B et al. Acta Biomed, 2016 05;87:54-63). This variant is considered to be rare based on population cohorts in the Genome Aggregation Database (gnomAD). In addition to the clinical data presented in the literature, alterations that disrupt the canonical splice site are expected to cause aberrant splicing, resulting in an abnormal protein or a transcript that is subject to nonsense-mediated mRNA decay. As such, this alteration is classified as a disease-causing mutation.

GeneDx
Classification: Likely pathogenic. Last evaluated: 2023-02-10. Review status: criteria provided, single submitter. Criteria: GeneDx Variant Classification Process June 2021. Collection method: clinical testing. Allele origin: germline. Affected: yes.
Comment: Canonical splice site variant predicted to result in a null allele in a gene for which loss of function is a known mechanism of disease; Published functional studies demonstrate a damaging effect: aberrant splicing (Menendez et al., 2012); Observed in individuals with a personal or family history consistent with pathogenic variants in this gene (Musolino et al., 2005; Pellegrino et al., 2016; Gabald Barrios et al., 2017); Not observed at significant frequency in large population cohorts (gnomAD); Also known as IVS13+1del; This variant is associated with the following publications: (PMID: 16457150, 28477318, 27163896, 23479189, 21735045)

Consortium of Investigators of Modifiers of BRCA1/2 (CIMBA), c/o University of Cambridge
Classification: Pathogenic for Breast-ovarian cancer, familial, susceptibility to, 1. Last evaluated: 2015-10-02. Review status: criteria provided, single submitter. Criteria: CIMBA Mutation Classification guidelines May 2016. Collection method: clinical testing. Allele origin: germline.

Literature cited by the submitters: PubMed 20033483 (cited by Women's Health and Genetics/Laboratory Corporation of America, LabCorp); PubMed 20406929 (cited by Women's Health and Genetics/Laboratory Corporation of America, LabCorp); PubMed 29446198 (cited by Women's Health and Genetics/Laboratory Corporation of America, LabCorp); PubMed 16199547 (cited by Labcorp Genetics (formerly Invitae), Labcorp); PubMed 20104584 (cited by Labcorp Genetics (formerly Invitae), Labcorp); PubMed 17257844 (cited by Labcorp Genetics (formerly Invitae), Labcorp and Color Diagnostics, LLC DBA Color Health); PubMed 23479189 (cited by Labcorp Genetics (formerly Invitae), Labcorp and Color Diagnostics, LLC DBA Color Health); PubMed 28477318 (cited by Labcorp Genetics (formerly Invitae), Labcorp and Color Diagnostics, LLC DBA Color Health); PubMed 21735045 (cited by 3 submitters); PubMed 21769658 (cited by Labcorp Genetics (formerly Invitae), Labcorp); PubMed 24667779 (cited by Labcorp Genetics (formerly Invitae), Labcorp); PubMed 33801055 (cited by Color Diagnostics, LLC DBA Color Health); PubMed 36149077 (cited by Color Diagnostics, LLC DBA Color Health); PubMed 27163896 (cited by Ambry Genetics).